The following is an entry in ClinVar:

NM_000540.3(RYR1):c.12848A>T (p.Glu4283Val)

Gene: RYR1 (ryanodine receptor 1; plus strand). Cytogenetic location: 19q13.2.
Variant type: single nucleotide variant.
Coding change: c.12848A>T on transcript NM_000540.3 (MANE Select); coding-DNA position 12848, A replaced by T.
Protein change: p.Glu4283Val; replaces glutamic acid 4283 with valine.
Molecular consequence: missense variant.
Genome position (GRCh38, 1-based): chr19:38,565,182, A>T. VCF-style: chr19-38565182-A-T. GRCh37 (hg19) VCF-style: chr19-39055822-A-T.
Other names: c.12848A>T (NM_000540.2); c.12833A>T, p.Glu4278Val (NM_001042723.2); short protein forms E4283V, E4278V.
Identifiers: ClinVar variation 133042 (VCV000133042.4), dbSNP rs193922853, ClinGen allele CA024011.

ClinVar aggregate classification (germline): Uncertain significance. Review status: reviewed by expert panel (3 of 4 stars). 2 submissions from 2 submitters: Uncertain significance (1). 1 of the submissions does not count toward it. Last evaluated 2025-08-01.

Conditions:
Malignant hyperthermia of anesthesia. Also called: Anesthesic-triggered malignant hyperthermia. Identifiers: Orphanet 423, MedGen C0024591, MONDO:0018493, HP:0034733.

Allele frequency attached by ClinVar (database versions not stated): gnomAD 0.00001; gnomAD exomes 0.00001.
gnomAD v4.1: 9 of 1,134,944 alleles (0.00079%); highest among the groups gnomAD compares: East Asian, 0.039%; no homozygotes.

Submissions (2):

ClinGen Malignant Hyperthermia Susceptibility Variant Curation Expert Panel, ClinGen
Classification: Uncertain significance for Malignant hyperthermia of anesthesia. Last evaluated: 2025-08-01. Review status: reviewed by expert panel. Criteria: ClinGen MHS ACMG Specifications V2. Collection method: curation. Allele origin: germline. Inheritance: Autosomal dominant inheritance.
Comment: This pathogenicity assessment is relevant only for malignant hyperthermia susceptibility (MHS) inherited in an autosomal dominant pattern. Variants in RYR1 can also cause other myopathies inherited in an autosomal dominant pattern or in an autosomal recessive pattern. Some of these disorders may predispose individuals to malignant hyperthermia. RYR1 variants may also contribute to a malignant hyperthermia reaction in combination with other genetic and non-genetic factors and the clinician needs to consider such factors in making management decisions. This sequence variant predicts a substitution of glutamic acid with valine at codon 4283 of the RYR1 protein, p.(Glu4283Val). This variant was not present in a large population database (gnomAD) at the time this variant was interpreted. This individual did not have an in vitro contracture test (IVCT) or a caffeine halothane contracture test (CHCT) result, PS4 was not implemented (PMID: 16732084). No functional studies were identified for this variant. This variant does not reside in a hotspot for pathogenic variants that contribute to MHS. A REVEL score of 0.561 supports neither a pathogenic nor a benign status for this variant. This variant has been classified as a Variant of Unknown Significance. Criteria implemented: none.

RYR1 database
No classification provided. Review status: no classification provided. Collection method: not provided. Allele origin: unknown. Not counted in ClinVar's aggregate classification.